The following is an entry in ClinVar:

NM_020812.4(DOCK6):c.3121C>G (p.Arg1041Gly)

Gene: DOCK6 (dedicator of cytokinesis 6; minus strand). Cytogenetic location: 19p13.2.
Variant type: single nucleotide variant.
Coding change: c.3121C>G on transcript NM_020812.4 (MANE Select); coding-DNA position 3121, C replaced by G.
Protein change: p.Arg1041Gly; replaces arginine 1041 with glycine.
Molecular consequence: missense variant.
Genome position (GRCh38, 1-based): chr19:11,222,854, G>C on the plus strand (C>G on the coding strand, the complement: DOCK6 is on the minus strand). VCF-style: chr19-11222854-G-C. GRCh37 (hg19) VCF-style: chr19-11333530-G-C.
Other names: c.3226C>G, p.Arg1076Gly (NM_001367830.1); short protein forms R1076G, R1041G.
Identifiers: ClinVar variation 2873825 (VCV002873825.3), dbSNP rs140577378, ClinGen allele CA404090354.

ClinVar aggregate classification (germline): Uncertain significance (1 of 4 stars; one submission).

Submission:

Labcorp Genetics (formerly Invitae), Labcorp
Classification: Uncertain significance. Last evaluated: 2023-11-27. Review status: criteria provided, single submitter. Criteria: Invitae Variant Classification Sherloc (09022015). Collection method: clinical testing. Allele origin: germline.
Comment: This sequence change replaces arginine, which is basic and polar, with glycine, which is neutral and non-polar, at codon 1041 of the DOCK6 protein (p.Arg1041Gly). This variant is not present in population databases (gnomAD no frequency). This variant has not been reported in the literature in individuals affected with DOCK6-related conditions. Advanced modeling of protein sequence and biophysical properties (such as structural, functional, and spatial information, amino acid conservation, physicochemical variation, residue mobility, and thermodynamic stability) performed at Invitae indicates that this missense variant is expected to disrupt DOCK6 protein function with a positive predictive value of 80%. In summary, the available evidence is currently insufficient to determine the role of this variant in disease. Therefore, it has been classified as a Variant of Uncertain Significance.